The following is an entry in ClinVar:

ClinVar aggregate classification (germline): Pathogenic (1 of 4 stars; one submission).

Conditions:
Combined oxidative phosphorylation defect type 14. Also called: Combined oxidative phosphorylation deficiency 14. Identifiers: Orphanet 319519, MedGen C4755312, MONDO:0013986, OMIM 614946.

Submission:

Labcorp Genetics (formerly Invitae), Labcorp
Classification: Pathogenic for Combined oxidative phosphorylation defect type 14. Last evaluated: 2023-07-12. Review status: criteria provided, single submitter. Criteria: Invitae Variant Classification Sherloc (09022015). Collection method: clinical testing. Allele origin: unknown.
Comment: For these reasons, this variant has been classified as Pathogenic. This variant has not been reported in the literature in individuals affected with FARS2-related conditions. A gross deletion of the genomic region encompassing the full coding sequence of the FARS2 gene has been identified. Loss-of-function variants in FARS2 are known to be pathogenic (PMID: 22833457). The boundaries of this event are unknown as they extend beyond the assayed region for this gene and therefore may encompass additional genes.

Literature cited by the submitters: PubMed 22833457.

NC_000006.11:g.(?_5109657)_(5771662_?)del

Genes: FARS2 (phenylalanyl-tRNA synthetase 2, mitochondrial; plus strand), LYRM4 (LYR motif containing 4; minus strand). Cytogenetic location: 6p25.1.
Variant type: Deletion.
Identifiers: ClinVar variation 3246032 (VCV003246032.1).